The following is an entry in ClinVar:

NM_145207.3(AFG2A):c.1151T>C (p.Ile384Thr)

Gene: AFG2A (AFG2 AAA ATPase homolog A; plus strand). Cytogenetic location: 4q28.1.
Variant type: single nucleotide variant.
Coding change: c.1151T>C on transcript NM_145207.3 (MANE Select); coding-DNA position 1151, T replaced by C.
Protein change: p.Ile384Thr; replaces isoleucine 384 with threonine.
Molecular consequence: missense variant.
Genome position (GRCh38, 1-based): chr4:122,935,717, T>C. VCF-style: chr4-122935717-T-C. GRCh37 (hg19) VCF-style: chr4-123856872-T-C.
Other names: c.1148T>C, p.Ile383Thr (NM_001317799.2, NM_001345856.2); short protein forms I384T, I383T.
Identifiers: ClinVar variation 567397 (VCV000567397.2), dbSNP rs780025409, ClinGen allele CA3070384.
Genomic context (GRCh38, chr4:122,935,717, plus strand): 5'-AACATTTATAAGAAACCTAGTAATGGTGAATCTAGTGTTTTCTACTTTTTCTTCCAGGAA[T>C]TCCTGCCCCTAGAGGAGTGTTACTTTATGGTCCTCCAGGTACTGGAAAAACAATGATCGC-3'
Protein context (NP_660208.2, residues 374-394): KQPELFKSYG[Ile384Thr]PAPRGVLLYG

ClinVar aggregate classification (germline): Uncertain significance. Review status: criteria provided, multiple submitters, no conflicts (2 of 4 stars). 2 submissions from 2 submitters: Uncertain significance (2). Last evaluated 2023-07-05.

Conditions:
Microcephaly-intellectual disability-sensorineural hearing loss-epilepsy-abnormal muscle tone syndrome (NEDHSB). Also called: NEURODEVELOPMENTAL DISORDER WITH HEARING LOSS, SEIZURES, AND BRAIN ABNORMALITIES. Identifiers: Orphanet 457351, MedGen C4225276, MONDO:0014698, OMIM 616577.

Allele frequency attached by ClinVar (database versions not stated): gnomAD exomes below 0.00001 and 0.00001; ExAC 0.00001.
gnomAD v4.1: 4 of 1,576,858 alleles (0.00025%); highest among the groups gnomAD compares: Non-Finnish European, 0.00034%; no homozygotes.

Submissions (2):

GeneDx
Classification: Uncertain significance. Last evaluated: 2023-07-05. Review status: criteria provided, single submitter. Criteria: GeneDx Variant Classification Process June 2021. Collection method: clinical testing. Allele origin: germline. Affected: yes.
Comment: Not observed at significant frequency in large population cohorts (gnomAD); In silico analysis supports that this missense variant has a deleterious effect on protein structure/function; Has not been previously published as pathogenic or benign to our knowledge

Labcorp Genetics (formerly Invitae), Labcorp
Classification: Uncertain significance for Epilepsy, hearing loss, and mental retardation syndrome. Last evaluated: 2018-07-05. Review status: criteria provided, single submitter. Criteria: Invitae Variant Classification Sherloc (09022015). Collection method: clinical testing. Allele origin: germline.
Comment: This sequence change replaces isoleucine with threonine at codon 384 of the SPATA5 protein (p.Ile384Thr). The isoleucine residue is highly conserved and there is a moderate physicochemical difference between isoleucine and threonine. This variant is present in population databases (rs780025409, ExAC 0.002%). This variant has not been reported in the literature in individuals with SPATA5-related disease. Algorithms developed to predict the effect of missense changes on protein structure and function (SIFT, PolyPhen-2, Align-GVGD) all suggest that this variant is likely to be disruptive, but these predictions have not been confirmed by published functional studies and their clinical significance is uncertain. In summary, the available evidence is currently insufficient to determine the role of this variant in disease. Therefore, it has been classified as a Variant of Uncertain Significance.